The following is an entry in ClinVar:

ClinVar aggregate classification (germline): Pathogenic (1 of 4 stars; one submission).

Submission:

Labcorp Genetics (formerly Invitae), Labcorp
Classification: Pathogenic. Last evaluated: 2024-02-04. Review status: criteria provided, single submitter. Criteria: Invitae Variant Classification Sherloc (09022015). Collection method: clinical testing. Allele origin: germline.
Comment: This sequence change creates a premature translational stop signal (p.Arg606Ilefs*20) in the LRP6 gene. It is expected to result in an absent or disrupted protein product. Loss-of-function variants in LRP6 are known to be pathogenic (PMID: 26387593). This variant is not present in population databases (gnomAD no frequency). This variant has not been reported in the literature in individuals affected with LRP6-related conditions. For these reasons, this variant has been classified as Pathogenic.

Literature cited by the submitters: PubMed 26387593.

NM_002336.3(LRP6):c.1815_1816dup (p.Arg606fs)

Gene: LRP6 (LDL receptor related protein 6; minus strand). Cytogenetic location: 12p13.2.
Variant type: Microsatellite.
Coding change: c.1815_1816dup on transcript NM_002336.3 (MANE Select); coding-DNA positions 1815 to 1816, 2 bases duplicated (TA; older notation c.1815_1816dupTA).
Protein change: p.Arg606fs; shifts the reading frame from arginine 606.
Molecular consequence: frameshift variant. On other transcripts: non-coding transcript variant (1), intron variant (1).
Genome position (GRCh38, 1-based): chr12:12,164,509-12,164,510, TA duplicated on the plus strand (TA on the coding strand, the reverse complement: LRP6 is on the minus strand); duplicating any 2 consecutive bases within chr12:12,164,509-12,164,512 gives the same sequence; the c. name uses the placement nearest the transcript's 3' end. VCF-style (leftmost placement, unchanged base first): chr12-12164508-C-CTA. GRCh37 (hg19) VCF-style: chr12-12317442-C-CTA.
Other names: c.1815_1816dup, p.Arg606fs (NM_001414244.1, NM_001414245.1, NM_001414246.1 and 4 more transcripts); c.1617_1618dup, p.Arg540fs (NM_001414247.1); c.1362_1363dup, p.Arg455fs (NM_001414252.1, NM_001414253.1, NM_001414254.1); c.1546-2093TA[3] (NM_001414255.1); short protein forms R606fs, R455fs, R540fs.
Identifiers: ClinVar variation 3638861 (VCV003638861.2).